The following is an entry in ClinVar:

NM_006196.4(PCBP1):c.940A>T (p.Lys314Ter)

Genes: PCBP1 (poly(rC) binding protein 1; plus strand), LOC106783504 (conserved acetylation island sequence C15 enhancer; plus strand). Cytogenetic location: 2p13.3.
Variant type: single nucleotide variant.
Coding change: c.940A>T on transcript NM_006196.4 (MANE Select); coding-DNA position 940, A replaced by T.
Protein change: p.Lys314Ter; replaces lysine 314 with a stop codon.
Molecular consequence: nonsense.
Genome position (GRCh38, 1-based): chr2:70,088,683, A>T. VCF-style: chr2-70088683-A-T. GRCh37 (hg19) VCF-style: chr2-70315815-A-T.
Other names: short protein forms K314*.
Identifiers: ClinVar variation 4852566 (VCV004852566.1).
Genomic context (GRCh38, chr2:70,088,683, plus strand): 5'-ATAATCGGGCGCCAAGGCGCCAACATTAATGAGATCCGCCAGATGTCCGGGGCCCAGATC[A>T]AAATTGCCAACCCAGTGGAAGGCTCCTCTGGTAGGCAGGTTACTATCACTGGCTCTGCTG-3'

ClinVar aggregate classification (germline): Pathogenic (1 of 4 stars; one submission).

Conditions:
Neurodevelopmental disorder. Identifiers: MedGen C1535926, MeSH D065886, MONDO:0700092.

Submission:

Laboratory of Molecular Genetics (Pr. Bezieau's lab), CHU de Nantes
Classification: Pathogenic for Neurodevelopmental disorder. Last evaluated: 2026-05-27. Review status: criteria provided, single submitter. Criteria: ACMG Guidelines, 2015. Collection method: clinical testing. Allele origin: de novo. Inheritance: Autosomal dominant inheritance. Affected: yes. Observed: 1 variant allele, 1 heterozygote.
Comment: Evidence for loss of function/haploinsufficiency being pathogenic in PMID: 41415500. ACMG criteria : PVS1, PS2, PM2 (Pathogenic).

Literature cited by the submitters: PubMed 41415500.